The following is an entry in ClinVar:

ClinVar aggregate classification (germline): Conflicting classifications of pathogenicity. Review status: criteria provided, conflicting classifications (1 of 4 stars). 10 submissions from 10 submitters: Pathogenic (4); Likely pathogenic (4); Uncertain significance (1). 1 of the submissions does not count toward it. Last evaluated 2025-09-16.

Conditions:
Charcot-Marie-Tooth disease. Also called: Charcot-Marie-Tooth Neuropathy; Charcot-Marie-Tooth Hereditary Neuropathy. Identifiers: Orphanet 166, MedGen C0007959, MONDO:0015626.
Inborn genetic diseases. Identifiers: MedGen C0950123, MeSH D030342.
Charcot-Marie-Tooth disease type 1B. Also called: HEREDITARY MOTOR AND SENSORY NEUROPATHY I; HEREDITARY MOTOR AND SENSORY NEUROPATHY IB; PERONEAL MUSCULAR ATROPHY; CHARCOT-MARIE-TOOTH DISEASE, AUTOSOMAL DOMINANT, WITH FOCALLY FOLDED MYELIN SHEATHS, TYPE 1B; CHARCOT-MARIE-TOOTH DISEASE, SLOW NERVE CONDUCTION TYPE, LINKED TO DUFFY; CHARCOT-MARIE-TOOTH NEUROPATHY, TYPE 1B. Identifiers: Orphanet 101082, MedGen C0270912, MONDO:0007307, OMIM 118200.
Charcot-Marie-Tooth disease, type I (CMT1). Also called: Charcot-Marie-Tooth, Type 1; Charcot-Marie-Tooth disease type 1. Identifiers: Orphanet 65753, MedGen C0751036, MONDO:0019011.

Allele frequency attached by ClinVar (database versions not stated): gnomAD exomes below 0.00001.
gnomAD v4.1: 4 of 1,614,034 alleles (0.00025%); highest among the groups gnomAD compares: Non-Finnish European, 0.00034%; no homozygotes.

Submissions (10):

Labcorp Genetics (formerly Invitae), Labcorp
Classification: Pathogenic for Charcot-Marie-Tooth disease, type I. Last evaluated: 2025-09-16. Review status: criteria provided, single submitter. Criteria: Invitae Variant Classification Sherloc (09022015). Collection method: clinical testing. Allele origin: germline.
Comment: This sequence change replaces tyrosine, which is neutral and polar, with cysteine, which is neutral and slightly polar, at codon 119 of the MPZ protein (p.Tyr119Cys). This variant is not present in population databases (gnomAD no frequency). This missense change has been observed in individuals with Charcot-Marie-Tooth disease (PMID: 10764043, 26310628; internal data). It has also been observed to segregate with disease in related individuals. Invitae Evidence Modeling of clinical and family history, age, sex, and reported ancestry of multiple individuals with this MPZ variant has been performed. This variant is expected to be pathogenic with a positive predictive value of at least 99%. This is a validated machine learning model that incorporates the clinical features of 13,236 individuals referred to our laboratory for MPZ testing. ClinVar contains an entry for this variant (Variation ID: 245997). Invitae Evidence Modeling of protein sequence and biophysical properties (such as structural, functional, and spatial information, amino acid conservation, physicochemical variation, residue mobility, and thermodynamic stability) has been performed for this missense variant. However, the output from this modeling did not meet the statistical confidence thresholds required to predict the impact of this variant on MPZ protein function. Experimental studies are conflicting or provide insufficient evidence to determine the effect of this variant on MPZ function (PMID: 29687021). For these reasons, this variant has been classified as Pathogenic.

Mayo Clinic Laboratories, Mayo Clinic
Classification: Likely pathogenic. Last evaluated: 2025-07-12. Review status: criteria provided, single submitter. Criteria: ACMG Guidelines, 2015. Collection method: clinical testing. Allele origin: germline. Observed: 1 variant allele.
Comment: PP1_strong, PM2_supporting, PS4_moderate

GeneDx
Classification: Likely pathogenic. Last evaluated: 2025-03-26. Review status: criteria provided, single submitter. Criteria: GeneDx Variant Classification Process June 2021. Collection method: clinical testing. Allele origin: germline. Affected: yes.
Comment: Has been reported previously in at least two families with adult-onset Charcot-Marie-Tooth (CMT) disease, with some individuals also exhibiting hearing loss (PMID: 26310628, 10764043); Not observed at significant frequency in large population cohorts (gnomAD); Missense variants in this gene are a common cause of disease and they are underrepresented in the general population; In silico analysis supports that this missense variant has a deleterious effect on protein structure/function; This variant is associated with the following publications: (PMID: 26310628, 10764043, 29687021, 33179255, 34210210, 34060689, 37581289, 36203352, 20461396, 28902413)

Institute of Immunology and Genetics Kaiserslautern
Classification: Likely pathogenic for Charcot-Marie-Tooth disease type 1B. Last evaluated: 2024-06-17. Review status: criteria provided, single submitter. Criteria: ACMG Guidelines, 2015. Collection method: clinical testing. Allele origin: germline. Affected: yes.
Comment: ACMG Criteria: PS3, PM1, PP1, PM2_P, PP5; Variant was found in heterozygous state

Ambry Genetics
Classification: Uncertain significance for Inborn genetic diseases. Last evaluated: 2023-12-11. Review status: criteria provided, single submitter. Criteria: Ambry Variant Classification Scheme 2023. Collection method: clinical testing. Allele origin: germline.

Athena Diagnostics
Classification: Pathogenic. Last evaluated: 2022-04-11. Review status: criteria provided, single submitter. Criteria: Athena Diagnostics Criteria. Collection method: clinical testing. Allele origin: unknown.
Comment: This variant has not been reported in large, multi-ethnic general populations. This variant associates with disease in multiple families. Computational tools predict that this variant is damaging. The variant is located in a region that is considered important for protein function and/or structure.

Victorian Clinical Genetics Services, Murdoch Childrens Research Institute
Classification: Likely pathogenic for Charcot-Marie-Tooth disease type 1B. Last evaluated: 2022-02-02. Review status: criteria provided, single submitter. Criteria: ACMG Guidelines, 2015. Collection method: clinical testing. Allele origin: germline. Inheritance: Autosomal dominant inheritance. Affected: yes.
Comment: Based on the classification scheme VCGS_Germline_v1.3.4, this variant is classified as Likely pathogenic. Following criteria are met: 0103 - Loss of function and gain of function are known mechanisms of disease in this gene and are associated with Charcot-Marie-Tooth disease dominant intermediate D (MIM#607791), Charcot-Marie-Tooth disease, type 1B (MIM#118200), Charcot-Marie-Tooth disease, type 2I (MIM#607677), Charcot-Marie-Tooth disease, type 2J (MIM#607736), Dejerine-Sottas disease (MIM#145900), congenital hypomyelinating neuropathy 2 (MIM#618184), and Roussy-Levy syndrome (MIM#180800) (OMIM). Loss of function is associated with NMD-predicted variants while gain of function is associated with missense and protein truncation variants (PMIDs: 16495463, 30239779). (I) 0108 - This gene is associated with both recessive and dominant disease. Most conditions associated with this gene are dominantly inherited; however Dejerine-Sottas disease is also caused by biallelic variants (OMIM). (I) 0115 - Variants in this gene are known to have variable expressivity (PMIDs: 17030746, 30239779). (I) 0200 - Variant is predicted to result in a missense amino acid change from tyrosine to cysteine. (I) 0251 - This variant is heterozygous. (I) 0301 - Variant is absent from gnomAD (both v2 and v3). (SP) 0502 - Missense variant with conflicting in silico predictions and uninformative conservation. (I) 0600 - Variant is located in the annotated Ig-like V-type extracellular domain (UniProt). (I) 0705 - No comparable missense variants have previous evidence for pathogenicity. (I) 0801 - This variant has strong previous evidence of pathogenicity in unrelated individuals. This variant has been identified in three families with adult-onset Charcot-Marie-Tooth disease and has been classified as pathogenic by clinical diagnostic laboratories (ClinVar; PMIDs: 10764043, 26310628). (SP) 0906 - Segregation evidence for this variant is inconclusive. There is currently insufficient information to determine segregation of this variant with disease (PMIDs: 10764043, 26310628). (I) 1010 - Functional evidence for this variant is inconclusive. Luciferase reporter constructs with the p.(Tyr119Cys) variant transfected into RT4 schwann cells did not demonstrate increased unfolded protein response (UPR) compared to WT constructs (PMID: 29687021). However, mutant constructs with other variants have also been shown to not result in a significantly increased UPR compared to the WT (PMID: 18337304). (I) 1208 - Inheritance information for this variant is not currently available in this individual. (I) Legend: (SP) - Supporting pathogenic, (I) - Information, (SB) - Supporting benign

Institute of Medical Genetics and Applied Genomics, University Hospital Tübingen
Classification: Pathogenic. Last evaluated: 2021-09-15. Review status: criteria provided, single submitter. Criteria: ACMG Guidelines, 2015. Collection method: clinical testing. Allele origin: germline. Inheritance: Autosomal dominant inheritance. Affected: yes.

CeGaT Center for Human Genetics Tuebingen
Classification: Pathogenic. Last evaluated: 2018-10-01. Review status: criteria provided, single submitter. Criteria: CeGaT Center For Human Genetics Tuebingen Variant Classification Criteria Version 2. Collection method: clinical testing. Allele origin: germline. Affected: yes. Observed: 3 variant alleles.

Inherited Neuropathy Consortium
Classification: Uncertain significance for Charcot-Marie-Tooth disease. Review status: no assertion criteria provided. Collection method: literature only. Allele origin: germline. Affected: yes. Not counted in ClinVar's aggregate classification.

Literature cited by the submitters: PubMed 10764043 (cited by 6 submitters); PubMed 26310628 (cited by 5 submitters); PubMed 29687021 (cited by 5 submitters); PubMed 36203352 (cited by Mayo Clinic Laboratories, Mayo Clinic); PubMed 28902413 (cited by Ambry Genetics); PubMed 34060689 (cited by Ambry Genetics); PubMed 16495463 (cited by Victorian Clinical Genetics Services, Murdoch Childrens Research Institute); PubMed 17030746 (cited by Victorian Clinical Genetics Services, Murdoch Childrens Research Institute); PubMed 18337304 (cited by Victorian Clinical Genetics Services, Murdoch Childrens Research Institute); PubMed 30239779 (cited by Victorian Clinical Genetics Services, Murdoch Childrens Research Institute).

NM_000530.8(MPZ):c.356A>G (p.Tyr119Cys)

Gene: MPZ (myelin protein zero; minus strand). Cytogenetic location: 1q23.3.
Variant type: single nucleotide variant.
Coding change: c.356A>G on transcript NM_000530.8 (MANE Select); coding-DNA position 356, A replaced by G.
Protein change: p.Tyr119Cys; replaces tyrosine 119 with cysteine.
Molecular consequence: missense variant.
Genome position (GRCh38, 1-based): chr1:161,306,800, T>C on the plus strand (A>G on the coding strand, the complement: MPZ is on the minus strand). VCF-style: chr1-161306800-T-C. GRCh37 (hg19) VCF-style: chr1-161276590-T-C.
Other names: c.356A>G (LRG_256t1); c.356A>G, p.Tyr119Cys (NM_001315491.2); short protein forms Y119C.
Identifiers: ClinVar variation 245997 (VCV000245997.60), dbSNP rs879254038, ClinGen allele CA10584144.
Genomic context (GRCh38, chr1:161,306,800, plus strand): 5'-GTCTTGCCCACTATGTCTGGAGGGTTTTTGACGTCACAAGTGAACGTGCCATTGTCACTG[T>C]AGTCTAGGTTGTGTATGACAATGGAGCCATCCTTCCAGCGAGGGTCCCCTACCCACTGGA-3'
Protein context (NP_000521.2, residues 109-129): DGSIVIHNLD[Tyr119Cys]SDNGTFTCDV